The following is an entry in ClinVar:

NM_001271.4(CHD2):c.4184_4187del (p.Lys1395fs)

Gene: CHD2 (chromodomain helicase DNA binding protein 2; plus strand). Cytogenetic location: 15q26.1.
Variant type: Microsatellite.
Coding change: c.4184_4187del on transcript NM_001271.4 (MANE Select); coding-DNA positions 4184 to 4187, 4 bases deleted (AAGA; older notation c.4184_4187delAAGA).
Protein change: p.Lys1395fs; shifts the reading frame from lysine 1395.
Molecular consequence: frameshift variant.
Genome position (GRCh38, 1-based): chr15:93,002,223-93,002,226, AAGA deleted; deleting any 4 consecutive bases within chr15:93,002,219-93,002,226 gives the same sequence; the c. name uses the placement nearest the transcript's 3' end. VCF-style (leftmost placement, unchanged base first): chr15-93002218-GAAGA-G. GRCh37 (hg19) VCF-style: chr15-93545448-GAAGA-G.
Other names: short protein forms K1395fs.
Identifiers: ClinVar variation 1069402 (VCV001069402.9), dbSNP rs2141873672, ClinGen allele CA2575841568.

ClinVar aggregate classification (germline): Pathogenic (1 of 4 stars; one submission).

Conditions:
Developmental and epileptic encephalopathy 94 (DEE94). Also called: Epileptic encephalopathy, childhood-onset; CHD2-Related Neurodevelopmental Disorders. Identifiers: Orphanet 1942, Orphanet 2382, MedGen C3809278, MONDO:0014150, OMIM 615369.

Submission:

Labcorp Genetics (formerly Invitae), Labcorp
Classification: Pathogenic for Developmental and epileptic encephalopathy 94. Last evaluated: 2020-02-18. Review status: criteria provided, single submitter. Criteria: Invitae Variant Classification Sherloc (09022015). Collection method: clinical testing. Allele origin: germline.
Comment: For these reasons, this variant has been classified as Pathogenic. Loss-of-function variants in CHD2 are known to be pathogenic (PMID: 23708187, 24207121). This variant has not been reported in the literature in individuals with CHD2-related conditions. This variant is not present in population databases (ExAC no frequency). This sequence change creates a premature translational stop signal (p.Lys1395Argfs*10) in the CHD2 gene. It is expected to result in an absent or disrupted protein product.

Literature cited by the submitters: PubMed 23708187; PubMed 24207121.